The following is an entry in ClinVar:

NM_018127.7(ELAC2):c.2144del (p.Met715fs)

Gene: ELAC2 (elaC ribonuclease Z 2; minus strand). Cytogenetic location: 17p12.
Variant type: Deletion.
Coding change: c.2144del on transcript NM_018127.7 (MANE Select); coding-DNA position 2144, one base deleted (T; older notation c.2144delT).
Protein change: p.Met715fs; shifts the reading frame from methionine 715.
Molecular consequence: frameshift variant.
Genome position (GRCh38, 1-based): chr17:12,993,796, A deleted on the plus strand (T on the coding strand, the reverse complement: ELAC2 is on the minus strand). VCF-style (leftmost placement, unchanged base first): chr17-12993795-CA-C. GRCh37 (hg19) VCF-style: chr17-12897112-CA-C.
Other names: c.2024del, p.Met675fs (NM_001165962.2); c.2141del, p.Met714fs (NM_173717.2); c.2144del (NM_018127.6); short protein forms M675fs, M714fs, M715fs.
Identifiers: ClinVar variation 2079196 (VCV002079196.5), dbSNP rs1230021596, ClinGen allele CA726197992.
Genomic context (GRCh38, chr17:12,993,795, plus strand): 5'-GAAGAGGGGGACCTTGGCATAGCGCTGGCTGAAGTGGTTCAGCATAATGAACTCCGCGTT[CA>C]TCCGCATCCCCACGCTGATGGCTTGGGACGTTGTGCTGCAGGTGAAGGACAGAGCAGACT-3'

ClinVar aggregate classification (germline): Pathogenic/Likely pathogenic. Review status: criteria provided, multiple submitters, no conflicts (2 of 4 stars). 2 submissions from 2 submitters: Pathogenic (1); Likely pathogenic (1). Last evaluated 2024-04-22.

Conditions:
Combined oxidative phosphorylation defect type 17. Also called: Combined oxidative phosphorylation deficiency 17. Identifiers: Orphanet 369913, MedGen C3809526, MONDO:0014190, OMIM 615440.

Allele frequency attached by ClinVar (database versions not stated): gnomAD exomes below 0.00001; TOPMed 0.00001; gnomAD 0.00001.

Submissions (2):

Labcorp Genetics (formerly Invitae), Labcorp
Classification: Pathogenic for Combined oxidative phosphorylation defect type 17. Last evaluated: 2024-04-22. Review status: criteria provided, single submitter. Criteria: Invitae Variant Classification Sherloc (09022015). Collection method: clinical testing. Allele origin: germline.
Comment: This sequence change creates a premature translational stop signal (p.Met715Argfs*8) in the ELAC2 gene. It is expected to result in an absent or disrupted protein product. Loss-of-function variants in ELAC2 are known to be pathogenic (PMID: 27769300, 31045291). This variant is not present in population databases (gnomAD no frequency). This variant has not been reported in the literature in individuals affected with ELAC2-related conditions. ClinVar contains an entry for this variant (Variation ID: 2079196). For these reasons, this variant has been classified as Pathogenic.

GeneDx
Classification: Likely pathogenic. Last evaluated: 2023-11-02. Review status: criteria provided, single submitter. Criteria: GeneDx Variant Classification Process June 2021. Collection method: clinical testing. Allele origin: germline. Affected: yes.
Comment: Frameshift variant predicted to result in protein truncation or nonsense mediated decay in a gene for which loss-of-function is a known mechanism of disease; Not observed at significant frequency in large population cohorts (gnomAD); Has not been previously published as pathogenic or benign to our knowledge

Literature cited by the submitters: PubMed 27769300 (cited by Labcorp Genetics (formerly Invitae), Labcorp); PubMed 31045291 (cited by Labcorp Genetics (formerly Invitae), Labcorp).